The following is an entry in ClinVar:

NM_017654.4(SAMD9):c.974T>G (p.Met325Arg)

Gene: SAMD9 (sterile alpha motif domain containing 9; minus strand). Cytogenetic location: 7q21.2.
Variant type: single nucleotide variant.
Coding change: c.974T>G on transcript NM_017654.4 (MANE Select); coding-DNA position 974, T replaced by G.
Protein change: p.Met325Arg; replaces methionine 325 with arginine.
Molecular consequence: missense variant.
Genome position (GRCh38, 1-based): chr7:93,105,124, A>C on the plus strand (T>G on the coding strand, the complement: SAMD9 is on the minus strand). VCF-style: chr7-93105124-A-C. GRCh37 (hg19) VCF-style: chr7-92734437-A-C.
Other names: c.974T>G, p.Met325Arg (NM_001193307.2); c.974T>G (NM_017654.3); short protein forms M325R.
Identifiers: ClinVar variation 2200624 (VCV002200624.2), dbSNP rs1355632227, ClinGen allele CA368202955.

ClinVar aggregate classification (germline): Uncertain significance. Review status: criteria provided, multiple submitters, no conflicts (2 of 4 stars). 2 submissions from 2 submitters: Uncertain significance (2). Last evaluated 2025-08-15.

Conditions:
Inborn genetic diseases. Identifiers: MedGen C0950123, MeSH D030342.

Allele frequency attached by ClinVar (database versions not stated): gnomAD exomes below 0.00001.
gnomAD v4.1: 2 of 1,613,694 alleles (0.00012%); highest among the groups gnomAD compares: South Asian, 0.0011%; no homozygotes.

Submissions (2):

Ambry Genetics
Classification: Uncertain significance for Inborn genetic diseases. Last evaluated: 2025-08-15. Review status: criteria provided, single submitter. Criteria: Ambry Variant Classification Scheme 2023. Collection method: clinical testing. Allele origin: germline.
Comment: The p.M325R variant (also known as c.974T>G), located in coding exon 1 of the SAMD9 gene, results from a T to G substitution at nucleotide position 974. The methionine at codon 325 is replaced by arginine, an amino acid with similar properties. This amino acid position is conserved. In addition, this alteration is predicted to be tolerated by in silico analysis. Based on the available evidence, the clinical significance of this variant remains unclear.

Labcorp Genetics (formerly Invitae), Labcorp
Classification: Uncertain significance. Last evaluated: 2022-06-26. Review status: criteria provided, single submitter. Criteria: Invitae Variant Classification Sherloc (09022015). Collection method: clinical testing. Allele origin: germline.
Comment: This sequence change replaces methionine, which is neutral and non-polar, with arginine, which is basic and polar, at codon 325 of the SAMD9 protein (p.Met325Arg). This variant is present in population databases (no rsID available, gnomAD 0.003%). This variant has not been reported in the literature in individuals affected with SAMD9-related conditions. Algorithms developed to predict the effect of missense changes on protein structure and function are either unavailable or do not agree on the potential impact of this missense change (SIFT: "Deleterious"; PolyPhen-2: "Benign"; Align-GVGD: "Class C0"). In summary, the available evidence is currently insufficient to determine the role of this variant in disease. Therefore, it has been classified as a Variant of Uncertain Significance.